The following is an entry in ClinVar:

NM_002519.3(NPAT):c.25C>T (p.Arg9Trp)

Gene: NPAT (nuclear protein, coactivator of histone transcription; minus strand). Cytogenetic location: 11q22.3.
Variant type: single nucleotide variant.
Coding change: c.25C>T on transcript NM_002519.3 (MANE Select); coding-DNA position 25, C replaced by T.
Protein change: p.Arg9Trp; replaces arginine 9 with tryptophan.
Molecular consequence: missense variant.
Genome position (GRCh38, 1-based): chr11:108,222,512, G>A on the plus strand (C>T on the coding strand, the complement: NPAT is on the minus strand). VCF-style: chr11-108222512-G-A. GRCh37 (hg19) VCF-style: chr11-108093239-G-A.
Other names: c.25C>T, p.Arg9Trp (NM_001321307.1); short protein forms R9W.
Identifiers: ClinVar variation 2447439 (VCV002447439.2), dbSNP rs753469498, ClinGen allele CA382517080.

ClinVar aggregate classification (germline): Uncertain significance (1 of 4 stars; one submission).

gnomAD v4.1: 1 of 1,613,838 alleles (0.000062%); highest among the groups gnomAD compares: Non-Finnish European, 0.000085%; no homozygotes.

Submission:

Ambry Genetics
Classification: Uncertain significance. Last evaluated: 2022-12-18. Review status: criteria provided, single submitter. Criteria: Ambry Variant Classification Scheme 2023. Collection method: clinical testing. Allele origin: germline.
Comment: The p.R9W variant (also known as c.25C>T), located in coding exon 1 of the NPAT gene, results from a C to T substitution at nucleotide position 25. The arginine at codon 9 is replaced by tryptophan, an amino acid with dissimilar properties. This amino acid position is conserved. In addition, this alteration is predicted to be deleterious by in silico analysis. Since supporting evidence is limited at this time, the clinical significance of this alteration remains unclear.